The following is an entry in ClinVar:

ClinVar aggregate classification (germline): Uncertain significance (1 of 4 stars; one submission).

Allele frequency attached by ClinVar (database versions not stated): gnomAD exomes below 0.00001; TOPMed 0.00002.
gnomAD v4.1: 2 of 1,614,010 alleles (0.00012%); highest among the groups gnomAD compares: Non-Finnish European, 0.00017%; no homozygotes.

Submission:

Labcorp Genetics (formerly Invitae), Labcorp
Classification: Uncertain significance. Last evaluated: 2022-08-15. Review status: criteria provided, single submitter. Criteria: Invitae Variant Classification Sherloc (09022015). Collection method: clinical testing. Allele origin: germline.
Comment: This variant has not been reported in the literature in individuals affected with ZNF513-related conditions. This variant is not present in population databases (gnomAD no frequency). This sequence change replaces lysine, which is basic and polar, with glutamine, which is neutral and polar, at codon 176 of the ZNF513 protein (p.Lys176Gln). Algorithms developed to predict the effect of missense changes on protein structure and function (SIFT, PolyPhen-2, Align-GVGD) all suggest that this variant is likely to be disruptive. In summary, the available evidence is currently insufficient to determine the role of this variant in disease. Therefore, it has been classified as a Variant of Uncertain Significance.

NM_144631.6(ZNF513):c.526A>C (p.Lys176Gln)

Gene: ZNF513 (zinc finger protein 513; minus strand). Cytogenetic location: 2p23.3.
Variant type: single nucleotide variant.
Coding change: c.526A>C on transcript NM_144631.6 (MANE Select); coding-DNA position 526, A replaced by C.
Protein change: p.Lys176Gln; replaces lysine 176 with glutamine.
Molecular consequence: missense variant.
Genome position (GRCh38, 1-based): chr2:27,378,740, T>G on the plus strand (A>C on the coding strand, the complement: ZNF513 is on the minus strand). VCF-style: chr2-27378740-T-G. GRCh37 (hg19) VCF-style: chr2-27601607-T-G.
Other names: c.340A>C, p.Lys114Gln (NM_001201459.2); short protein forms K176Q, K114Q.
Identifiers: ClinVar variation 1964090 (VCV001964090.5), dbSNP rs1206165096, ClinGen allele CA346218194.